The following is an entry in ClinVar:

NM_000238.4(KCNH2):c.2641T>A (p.Phe881Ile)

Gene: KCNH2 (potassium voltage-gated channel subfamily H member 2; minus strand). Cytogenetic location: 7q36.1.
Variant type: single nucleotide variant.
Coding change: c.2641T>A on transcript NM_000238.4 (MANE Select); coding-DNA position 2641, T replaced by A.
Protein change: p.Phe881Ile; replaces phenylalanine 881 with isoleucine.
Molecular consequence: missense variant.
Genome position (GRCh38, 1-based): chr7:150,948,495, A>T on the plus strand (T>A on the coding strand, the complement: KCNH2 is on the minus strand). VCF-style: chr7-150948495-A-T. GRCh37 (hg19) VCF-style: chr7-150645583-A-T.
Other names: c.1621T>A, p.Phe541Ile (NM_172057.3); short protein forms F881I, F541I.
Identifiers: ClinVar variation 855339 (VCV000855339.16), dbSNP rs1197425750, ClinGen allele CA369853771.

ClinVar aggregate classification (germline): Uncertain significance. Review status: criteria provided, multiple submitters, no conflicts (2 of 4 stars). 5 submissions from 5 submitters: Uncertain significance (5). Last evaluated 2025-12-21.

Conditions:
Long QT syndrome 2 (LQT2). Identifiers: Orphanet 101016, Orphanet 768, MedGen C3150943, MONDO:0013367, OMIM 613688.
Short QT syndrome type 1. Identifiers: Orphanet 51083, MedGen C1865020, MONDO:0012312, OMIM 609620.
Cardiac arrhythmia. Also called: Arrhythmia; Cardiac rhythm disease. Identifiers: MedGen C0003811, MONDO:0007263, HP:0011675.
Cardiovascular phenotype. Identifiers: MedGen CN230736.
Long QT syndrome (LQTS). Identifiers: MedGen C0023976, MeSH D008133, MONDO:0002442. Disease mechanism: loss of function. Inheritance: Various modes of inheritance.

Allele frequency attached by ClinVar (database versions not stated): gnomAD exomes below 0.00001; gnomAD 0.00002; TOPMed 0.00003.

Submissions (5):

Labcorp Genetics (formerly Invitae), Labcorp
Classification: Uncertain significance for Long QT syndrome. Last evaluated: 2025-12-21. Review status: criteria provided, single submitter. Criteria: Invitae Variant Classification Sherloc (09022015). Collection method: clinical testing. Allele origin: germline.
Comment: This sequence change replaces phenylalanine, which is neutral and non-polar, with isoleucine, which is neutral and non-polar, at codon 881 of the KCNH2 protein (p.Phe881Ile). This variant is present in population databases (no rsID available, gnomAD 0.007%). This variant has not been reported in the literature in individuals affected with KCNH2-related conditions. ClinVar contains an entry for this variant (Variation ID: 855339). An algorithm developed to predict the effect of missense changes on protein structure and function (PolyPhen-2) suggests that this variant is likely to be tolerated. In summary, the available evidence is currently insufficient to determine the role of this variant in disease. Therefore, it has been classified as a Variant of Uncertain Significance.

Color Diagnostics, LLC DBA Color Health
Classification: Uncertain significance for Cardiac arrhythmia. Last evaluated: 2025-08-20. Review status: criteria provided, single submitter. Criteria: ACMG Guidelines, 2015. Collection method: clinical testing. Allele origin: germline.
Comment: This missense variant replaces phenylalanine with isoleucine at codon 881 of the KCNH2 protein. Computational prediction suggests that this variant may have deleterious impact on protein structure and function. To our knowledge, functional studies have not been reported for this variant. This variant has been reported in 2 individuals with a suspected genetic cardiomyopathy or arrhythmia (PMID: 35947370). This variant has been identified in 1/250362 chromosomes in the general population by the Genome Aggregation Database (gnomAD). The available evidence is insufficient to determine the role of this variant in disease conclusively. Therefore, this variant is classified as a Variant of Uncertain Significance.

All of Us Research Program, National Institutes of Health
Classification: Uncertain significance for Long QT syndrome. Last evaluated: 2024-08-19. Review status: criteria provided, single submitter. Criteria: ACMG Guidelines, 2015. Collection method: clinical testing. Allele origin: germline. Inheritance: Autosomal dominant inheritance. Observed: 2 variant alleles, 2 heterozygotes.
Comment: This missense variant replaces phenylalanine with isoleucine at codon 881 of the KCNH2 protein. Computational prediction suggests that this variant may have deleterious impact on protein structure and function (internally defined REVEL score threshold >= 0.7, PMID: 27666373). To our knowledge, functional studies have not been reported for this variant. This variant has not been reported in individuals affected with KCNH2-related disorders in the literature. This variant has been identified in 1/250362 chromosomes in the general population by the Genome Aggregation Database (gnomAD). The available evidence is insufficient to determine the role of this variant in disease conclusively. Therefore, this variant is classified as a Variant of Uncertain Significance.

This study involves interpretation of variants in research participants for the purpose of population health screening. Participant phenotype was not available at the time of variant classification. Additional details can be found in publication PMID: 35346344, PMCID: PMC8962531

Ambry Genetics
Classification: Uncertain significance for Cardiovascular phenotype. Last evaluated: 2023-03-13. Review status: criteria provided, single submitter. Criteria: Ambry Variant Classification Scheme 2023. Collection method: clinical testing. Allele origin: germline.
Comment: The p.F881I variant (also known as c.2641T>A), located in coding exon 11 of the KCNH2 gene, results from a T to A substitution at nucleotide position 2641. The phenylalanine at codon 881 is replaced by isoleucine, an amino acid with highly similar properties. This amino acid position is highly conserved in available vertebrate species. In addition, this alteration is predicted to be deleterious by in silico analysis. Since supporting evidence is limited at this time, the clinical significance of this alteration remains unclear.

Fulgent Genetics
Classification: Uncertain significance for Short QT syndrome type 1; Long QT syndrome 2. Last evaluated: 2021-12-30. Review status: criteria provided, single submitter. Criteria: ACMG Guidelines, 2015. Collection method: clinical testing. Allele origin: unknown.

Literature cited by the submitters: PubMed 35947370 (cited by Color Diagnostics, LLC DBA Color Health).